The following is an entry in ClinVar:

NM_001903.5(CTNNA1):c.1923T>C (p.Ser641=)

Gene: CTNNA1 (catenin alpha 1; plus strand). Cytogenetic location: 5q31.2.
Variant type: single nucleotide variant.
Coding change: c.1923T>C on transcript NM_001903.5 (MANE Select); coding-DNA position 1923, T replaced by C.
Protein change: p.Ser641=; no amino-acid change (serine 641 retained).
Molecular consequence: synonymous variant.
Genome position (GRCh38, 1-based): chr5:138,929,269, T>C. VCF-style: chr5-138929269-T-C. GRCh37 (hg19) VCF-style: chr5-138264958-T-C.
Other names: c.1923T>C, p.Ser641= (NM_001290307.3, NM_001323982.2, NM_001323983.1 and 2 more transcripts); c.1614T>C, p.Ser538= (NM_001290309.3); c.1554T>C, p.Ser518= (NM_001290310.3); c.813T>C, p.Ser271= (NM_001290312.1, NM_001323987.1, NM_001323988.1 and 17 more transcripts); c.1830T>C, p.Ser610= (NM_001323986.2); c.474T>C, p.Ser158= (NM_001324006.1, NM_001324007.1, NM_001324008.1 and 2 more transcripts); c.720T>C, p.Ser240= (NM_001324011.1); c.570T>C, p.Ser190= (NM_001324012.1, NM_001324013.1).
Identifiers: ClinVar variation 771973 (VCV000771973.13), dbSNP rs907388859, ClinGen allele CA128220929.

ClinVar aggregate classification (germline): Benign/Likely benign. Review status: criteria provided, multiple submitters, no conflicts (2 of 4 stars). 3 submissions from 3 submitters: Benign (1); Likely benign (2). Last evaluated 2025-09-20.

Conditions:
Hereditary cancer-predisposing syndrome. Also called: Neoplastic Syndromes, Hereditary; Hereditary neoplastic syndrome; Tumor predisposition; Hereditary Cancer Syndrome. Identifiers: Orphanet 140162, MedGen C0027672, MeSH D009386, MONDO:0015356.
Hereditary diffuse gastric adenocarcinoma (HDGC). Also called: DIFFUSE GASTRIC AND LOBULAR BREAST CANCER SYNDROME. Identifiers: Orphanet 26106, MedGen C1708349, MONDO:0007648, OMIM 137215.

Allele frequency attached by ClinVar (database versions not stated): gnomAD 0.00001; gnomAD exomes 0.00001.
gnomAD v4.1: 16 of 1,607,020 alleles (0.001%); highest among the groups gnomAD compares: Admixed American, 0.0017%; no homozygotes.

Submissions (3):

Labcorp Genetics (formerly Invitae), Labcorp
Classification: Likely benign. Last evaluated: 2025-09-20. Review status: criteria provided, single submitter. Criteria: Invitae Variant Classification Sherloc (09022015). Collection method: clinical testing. Allele origin: germline.

Myriad Genetics, Inc.
Classification: Benign for Hereditary diffuse gastric adenocarcinoma. Last evaluated: 2024-10-14. Review status: criteria provided, single submitter. Criteria: Myriad Autosomal Dominant, Autosomal Recessive and X-Linked Classification Criteria (2023). Collection method: clinical testing. Allele origin: unknown.
Comment: This variant is considered benign. This variant is a silent/synonymous amino acid change and it is not expected to impact splicing.

Ambry Genetics
Classification: Likely benign for Hereditary cancer-predisposing syndrome. Last evaluated: 2020-01-09. Review status: criteria provided, single submitter. Criteria: Ambry Variant Classification Scheme 2023. Collection method: clinical testing. Allele origin: germline.